The following is an entry in ClinVar:

ClinVar aggregate classification (germline): Uncertain significance (1 of 4 stars; one submission).

Conditions:
Retinitis pigmentosa 12 (RP12). Also called: RP WITH OR WITHOUT PPRPE; RP WITH OR WITHOUT PRESERVED PARAARTERIOLE RETINAL PIGMENT EPITHELIUM; RETINITIS PIGMENTOSA WITH OR WITHOUT PARAARTERIOLAR PRESERVATION OF RETINAL PIGMENT EPITHELIUM. Identifiers: Orphanet 791, MedGen C1838647, MONDO:0010818, OMIM 600105.
Leber congenital amaurosis 8 (LCA8). Identifiers: Orphanet 65, MedGen C3151202, MONDO:0013453, OMIM 613835.

Submission:

Labcorp Genetics (formerly Invitae), Labcorp
Classification: Uncertain significance for Leber congenital amaurosis 8; Retinitis pigmentosa 12. Last evaluated: 2022-08-25. Review status: criteria provided, single submitter. Criteria: Invitae Variant Classification Sherloc (09022015). Collection method: clinical testing. Allele origin: germline.
Comment: This variant is not present in population databases (gnomAD no frequency). This sequence change replaces glutamic acid, which is acidic and polar, with glycine, which is neutral and non-polar, at codon 1262 of the CRB1 protein (p.Glu1262Gly). This variant has not been reported in the literature in individuals affected with CRB1-related conditions. In summary, the available evidence is currently insufficient to determine the role of this variant in disease. Therefore, it has been classified as a Variant of Uncertain Significance. Advanced modeling of protein sequence and biophysical properties (such as structural, functional, and spatial information, amino acid conservation, physicochemical variation, residue mobility, and thermodynamic stability) performed at Invitae indicates that this missense variant is not expected to disrupt CRB1 protein function.

NM_201253.3(CRB1):c.3785A>G (p.Glu1262Gly)

Gene: CRB1 (crumbs cell polarity complex component 1; plus strand). Cytogenetic location: 1q31.3.
Variant type: single nucleotide variant.
Coding change: c.3785A>G on transcript NM_201253.3 (MANE Select); coding-DNA position 3785, A replaced by G.
Protein change: p.Glu1262Gly; replaces glutamic acid 1262 with glycine.
Molecular consequence: missense variant. On other transcripts: non-coding transcript variant (2).
Genome position (GRCh38, 1-based): chr1:197,438,582, A>G. VCF-style: chr1-197438582-A-G. GRCh37 (hg19) VCF-style: chr1-197407712-A-G.
Other names: c.3449A>G, p.Glu1150Gly (NM_001193640.2); c.3713A>G, p.Glu1238Gly (NM_001257965.2); c.2177A>G, p.Glu726Gly (NM_001257966.2); short protein forms E1150G, E1238G, E1262G, E726G.
Identifiers: ClinVar variation 1716578 (VCV001716578.5), dbSNP rs2528222240, ClinGen allele CA344050808.